The following is an entry in ClinVar:

NM_001519.4(BRF1):c.335A>T (p.Asn112Ile)

Gene: BRF1 (BRF1 general transcription factor IIIB subunit; minus strand). Cytogenetic location: 14q32.33.
Variant type: single nucleotide variant.
Coding change: c.335A>T on transcript NM_001519.4 (MANE Select); coding-DNA position 335, A replaced by T.
Protein change: p.Asn112Ile; replaces asparagine 112 with isoleucine.
Molecular consequence: missense variant. On other transcripts: 5 prime UTR variant (2).
Genome position (GRCh38, 1-based): chr14:105,272,825, T>A on the plus strand (A>T on the coding strand, the complement: BRF1 is on the minus strand). VCF-style: chr14-105272825-T-A. GRCh37 (hg19) VCF-style: chr14-105739162-T-A.
Other names: c.-11A>T (NM_001242786.2, NM_001242787.2); c.254A>T, p.Asn85Ile (NM_001242788.2); c.335A>T, p.Asn112Ile (NM_001242790.2); short protein forms N112I, N85I.
Identifiers: ClinVar variation 2370695 (VCV002370695.3), dbSNP rs765101934, ClinGen allele CA7388161.
Genomic context (GRCh38, chr14:105,272,825, plus strand): 5'-ATCACGTGGGCCATCTTCCGGCCGCGGGTCAGGTGCCTGCTCACGGCCATCTTGAAGAAG[T>A]TGAAGGCGGTGTCCAGGCAGTGCTGGTTCAGCTGCAGCTGGTTCCCCAGGTGGTGGATGT-3'
Protein context (NP_001510.2, residues 102-122): LNQHCLDTAF[Asn112Ile]FFKMAVSRHL

ClinVar aggregate classification (germline): Uncertain significance (1 of 4 stars; one submission).

Conditions:
Inborn genetic diseases. Identifiers: MedGen C0950123, MeSH D030342.

Allele frequency attached by ClinVar (database versions not stated): gnomAD 0.00003; TOPMed 0.00003; ExAC 0.00006.
gnomAD v4.1: 25 of 1,613,888 alleles (0.0015%); highest among the groups gnomAD compares: Admixed American, 0.0033%; no homozygotes.

Submission:

Ambry Genetics
Classification: Uncertain significance for Inborn genetic diseases. Last evaluated: 2026-01-26. Review status: criteria provided, single submitter. Criteria: Ambry Variant Classification Scheme 2023. Collection method: clinical testing. Allele origin: germline.
Comment: The c.335A>T (p.N112I) alteration is located in exon 3 (coding exon 3) of the BRF1 gene. This alteration results from a A to T substitution at nucleotide position 335, causing the asparagine (N) at amino acid position 112 to be replaced by an isoleucine (I). Based on data from gnomAD, the T allele has an overall frequency of 0.003% (9/282696) total alleles studied. The highest observed frequency was 0.006% (2/35424) of Latino alleles. Based on insufficient or conflicting evidence, the clinical significance of this alteration remains unclear.